The following is an entry in ClinVar:

ClinVar aggregate classification (germline): Benign/Likely benign. Review status: criteria provided, multiple submitters, no conflicts (2 of 4 stars). 2 submissions from 2 submitters: Benign (1); Likely benign (1). Last evaluated 2025-07-29.

Conditions:
DOK7-related disorder. Also called: DOK7-related condition.
Congenital myasthenic syndrome 10. Also called: Myasthenia, limb-girdle, familial. Identifiers: Orphanet 590, MedGen C1850792, MONDO:0009690, OMIM 254300.
Fetal akinesia deformation sequence 1 (FADS1). Also called: Pena-Shokeir syndrome type I; Fetal akinesia sequence. Identifiers: Orphanet 994, MedGen C1276035, MONDO:0100101, OMIM 208150, HP:0001989.

Allele frequency attached by ClinVar (database versions not stated): gnomAD exomes 0.00004; ExAC 0.00011; gnomAD 0.00019; TOPMed 0.00026.

Submissions (2):

Labcorp Genetics (formerly Invitae), Labcorp
Classification: Benign for Congenital myasthenic syndrome 10; Fetal akinesia deformation sequence 1. Last evaluated: 2025-07-29. Review status: criteria provided, single submitter. Criteria: Invitae Variant Classification Sherloc (09022015). Collection method: clinical testing. Allele origin: germline.

PreventionGenetics, part of Exact Sciences
Classification: Likely benign for DOK7-related condition. Last evaluated: 2025-04-04. Review status: criteria provided, single submitter. Criteria: ACMG Guidelines, 2015. Collection method: clinical testing. Allele origin: germline.
Comment: This variant is classified as likely benign based on ACMG/AMP sequence variant interpretation guidelines (Richards et al. 2015 PMID: 25741868, with internal and published modifications).

NM_173660.5(DOK7):c.909T>C (p.Ala303=)

Gene: DOK7 (docking protein 7; plus strand). Cytogenetic location: 4p16.3.
Variant type: single nucleotide variant.
Coding change: c.909T>C on transcript NM_173660.5 (MANE Select); coding-DNA position 909, T replaced by C.
Protein change: p.Ala303=; no amino-acid change (alanine 303 retained).
Molecular consequence: synonymous variant. On other transcripts: 3 prime UTR variant (1), 5 prime UTR variant (1).
Genome position (GRCh38, 1-based): chr4:3,492,895, T>C. VCF-style: chr4-3492895-T-C. GRCh37 (hg19) VCF-style: chr4-3494622-T-C.
Other names: c.909T>C (NM_173660.4); c.*130T>C (NM_001164673.2); c.-22T>C (NM_001256896.2); c.909T>C, p.Ala303= (NM_001301071.2); c.477T>C, p.Ala159= (NM_001363811.2).
Identifiers: ClinVar variation 1939563 (VCV001939563.6), dbSNP rs774070355, ClinGen allele CA2829283.